The following is an entry in ClinVar:

NM_001282225.2(ADA2):c.1137T>A (p.Thr379=)

Gene: ADA2 (adenosine deaminase 2; minus strand). Cytogenetic location: 22q11.1.
Variant type: single nucleotide variant.
Coding change: c.1137T>A on transcript NM_001282225.2 (MANE Select); coding-DNA position 1137, T replaced by A.
Protein change: p.Thr379=; no amino-acid change (threonine 379 retained).
Molecular consequence: synonymous variant.
Genome position (GRCh38, 1-based): chr22:17,182,706, A>T on the plus strand (T>A on the coding strand, the complement: ADA2 is on the minus strand). VCF-style: chr22-17182706-A-T. GRCh37 (hg19) VCF-style: chr22-17663596-A-T.
Other names: c.1137T>A, p.Thr379= (NM_001282226.2); c.1011T>A, p.Thr337= (NM_001282227.2, NM_001282228.2); c.777T>A, p.Thr259= (NM_001282229.2); c.414T>A, p.Thr138= (NM_177405.3).
Identifiers: ClinVar variation 4681760 (VCV004681760.5).

ClinVar aggregate classification (germline): Likely benign (1 of 4 stars; one submission).

gnomAD v4.1: 1 of 1,614,006 alleles (0.000062%); no homozygotes.

Submission:

CeGaT Center for Human Genetics Tuebingen
Classification: Likely benign. Last evaluated: 2025-12-01. Review status: criteria provided, single submitter. Criteria: CeGaT Center For Human Genetics Tuebingen Variant Classification Criteria Version 2. Collection method: clinical testing. Allele origin: germline. Affected: yes. Observed: 1 variant allele.
Comment: ADA2: BP4, BP7